The following is an entry in ClinVar:

NM_021098.3(CACNA1H):c.3154+5G>A

Gene: CACNA1H (calcium voltage-gated channel subunit alpha1 H; plus strand). Cytogenetic location: 16p13.3.
Variant type: single nucleotide variant.
Coding change: c.3154+5G>A on transcript NM_021098.3 (MANE Select); 5 bases into the intron after coding-DNA position 3154, G replaced by A.
Molecular consequence: intron variant.
Genome position (GRCh38, 1-based): chr16:1,207,865, G>A. VCF-style: chr16-1207865-G-A. GRCh37 (hg19) VCF-style: chr16-1257865-G-A.
Other names: c.3154+5G>A (NM_001005407.2).
Identifiers: ClinVar variation 958854 (VCV000958854.8), dbSNP rs764360814, ClinGen allele CA7800636.

ClinVar aggregate classification (germline): Uncertain significance. Review status: criteria provided, multiple submitters, no conflicts (2 of 4 stars). 2 submissions from 2 submitters: Uncertain significance (2). Last evaluated 2024-08-06.

Conditions:
Hyperaldosteronism, familial, type IV (HALD4). Also called: FH IV; ALDOSTERONISM, PRIMARY, AND HYPERTENSION. Identifiers: Orphanet 642671, MedGen C4310756, MONDO:0014875, OMIM 617027.
Idiopathic generalized epilepsy. Also called: Generalised epilepsy; EIG. Identifiers: MedGen C0270850, MONDO:0005579, OMIM 600669.
Epilepsy, childhood absence, susceptibility to, 6. Identifiers: Orphanet 64280, MedGen C2749872, MONDO:0012763, OMIM 611942.

Allele frequency attached by ClinVar (database versions not stated): gnomAD 0.00001; TOPMed 0.00002; gnomAD exomes 0.00007.
gnomAD v4.1: 98 of 1,579,982 alleles (0.0062%); highest among the groups gnomAD compares: Non-Finnish European, 0.0073%; no homozygotes.

Submissions (2):

Labcorp Genetics (formerly Invitae), Labcorp
Classification: Uncertain significance for Idiopathic generalized epilepsy; Hyperaldosteronism, familial, type IV. Last evaluated: 2024-08-06. Review status: criteria provided, single submitter. Criteria: Invitae Variant Classification Sherloc (09022015). Collection method: clinical testing. Allele origin: germline.
Comment: This sequence change falls in intron 15 of the CACNA1H gene. It does not directly change the encoded amino acid sequence of the CACNA1H protein. It affects a nucleotide within the consensus splice site. The frequency data for this variant in the population databases is considered unreliable, as metrics indicate poor data quality at this position in the gnomAD database. This variant has not been reported in the literature in individuals affected with CACNA1H-related conditions. ClinVar contains an entry for this variant (Variation ID: 958854). Variants that disrupt the consensus splice site are a relatively common cause of aberrant splicing (PMID: 17576681, 9536098). Algorithms developed to predict the effect of sequence changes on RNA splicing suggest that this variant is not likely to affect RNA splicing. In summary, the available evidence is currently insufficient to determine the role of this variant in disease. Therefore, it has been classified as a Variant of Uncertain Significance.

Fulgent Genetics
Classification: Uncertain significance for Epilepsy, childhood absence, susceptibility to, 6; Hyperaldosteronism, familial, type IV. Last evaluated: 2022-01-11. Review status: criteria provided, single submitter. Criteria: ACMG Guidelines, 2015. Collection method: clinical testing. Allele origin: unknown.

Literature cited by the submitters: PubMed 17576681 (cited by Labcorp Genetics (formerly Invitae), Labcorp); PubMed 9536098 (cited by Labcorp Genetics (formerly Invitae), Labcorp).